The following is an entry in ClinVar:

ClinVar aggregate classification (germline): Uncertain significance (1 of 4 stars; one submission).

Conditions:
Pheochromocytoma. Also called: MAX-Related Hereditary Paraganglioma-Pheochromocytoma Syndrome. Identifiers: Orphanet 29072, MedGen C0031511, MONDO:0008233, OMIM 171300, HP:0002666.
Pheochromocytoma/paraganglioma syndrome 4. Also called: CAROTID BODY TUMORS AND MULTIPLE EXTRAADRENAL PHEOCHROMOCYTOMAS; PARAGANGLIOMA, FAMILIAL MALIGNANT; PARAGANGLIOMAS, HEREDITARY EXTRAADRENAL; PHEOCHROMOCYTOMA, FAMILIAL EXTRAADRENAL; Paragangliomas 4; SDHB-Related Hereditary Paraganglioma-Pheochromocytoma Syndrome (Paragangliomas 4). Identifiers: Orphanet 29072, MedGen C1861848, MONDO:0007273, OMIM 115310.
Gastrointestinal stromal tumor. Also called: Gastrointestinal stromal tumor, somatic; Gastrointestinal stroma tumor. Identifiers: Orphanet 44890, MedGen C0238198, MeSH D046152, MONDO:0011719, OMIM 606764, HP:0100723.

Submission:

Labcorp Genetics (formerly Invitae), Labcorp
Classification: Uncertain significance for Gastrointestinal stromal tumor; Pheochromocytoma/paraganglioma syndrome 4; Pheochromocytoma. Last evaluated: 2026-01-08. Review status: criteria provided, single submitter. Criteria: Invitae Variant Classification Sherloc (09022015). Collection method: clinical testing. Allele origin: germline.
Comment: This sequence change replaces arginine, which is basic and polar, with proline, which is neutral and non-polar, at codon 46 of the SDHB protein (p.Arg46Pro). This variant is not present in population databases (gnomAD no frequency). This variant has not been reported in the literature in individuals affected with SDHB-related conditions. ClinVar contains an entry for this variant (Variation ID: 3756934). Invitae Evidence Modeling of protein sequence and biophysical properties (such as structural, functional, and spatial information, amino acid conservation, physicochemical variation, residue mobility, and thermodynamic stability) indicates that this missense variant is expected to disrupt SDHB protein function with a positive predictive value of 80%. This variant disrupts the p.Arg46 amino acid residue in SDHB. Other variant(s) that disrupt this residue have been determined to be pathogenic (PMID: 12618761, 17102082, 18362451, 22835832; internal data). This suggests that this residue is clinically significant, and that variants that disrupt this residue are likely to be disease-causing. In summary, the available evidence is currently insufficient to determine the role of this variant in disease. Therefore, it has been classified as a Variant of Uncertain Significance.

Literature cited by the submitters: PubMed 12618761; PubMed 17102082; PubMed 18362451; PubMed 22835832.

NM_003000.3(SDHB):c.137G>C (p.Arg46Pro)

Gene: SDHB (succinate dehydrogenase complex iron sulfur subunit B; minus strand). Cytogenetic location: 1p36.13.
Variant type: single nucleotide variant.
Coding change: c.137G>C on transcript NM_003000.3 (MANE Select); coding-DNA position 137, G replaced by C.
Protein change: p.Arg46Pro; replaces arginine 46 with proline.
Molecular consequence: missense variant.
Genome position (GRCh38, 1-based): chr1:17,044,824, C>G on the plus strand (G>C on the coding strand, the complement: SDHB is on the minus strand). VCF-style: chr1-17044824-C-G. GRCh37 (hg19) VCF-style: chr1-17371319-C-G.
Other names: c.137G>C, p.Arg46Pro (NM_001407361.1); short protein forms R46P.
Identifiers: ClinVar variation 3756934 (VCV003756934.2).